The following is an entry in ClinVar:

ClinVar aggregate classification (germline): Uncertain significance. Review status: criteria provided, multiple submitters, no conflicts (2 of 4 stars). 3 submissions from 3 submitters: Uncertain significance (2). 1 of the submissions does not count toward it. Last evaluated 2025-12-23.

Conditions:
Tuberous sclerosis syndrome (TSC). Also called: Tuberous Sclerosis Complex; Tuberous sclerosis. Identifiers: Orphanet 805, MedGen C0041341, MONDO:0001734.
Tuberous sclerosis 2 (TSC2). Identifiers: Orphanet 805, MedGen C1860707, MONDO:0013199, OMIM 613254.

Submissions (3):

3billion
Classification: Uncertain significance for Tuberous sclerosis 2. Last evaluated: 2025-12-23. Review status: criteria provided, single submitter. Criteria: ACMG Guidelines, 2015. Collection method: clinical testing. Allele origin: germline. Affected: yes.
Comment: The variant is not observed in the gnomAD v4.1.0 dataset. Predicted Consequence/Location: Intron variant In silico tools predict the variant to alter splicing and produce an abnormal transcript [SpliceAI: 0.69 (>=0.2, moderate evidence for spliceogenicity)]. The variant has been reported as of uncertain significance (ClinVar ID: VCV000050008). Therefore, this variant is classified as VUS according to the recommendation of ACMG/AMP guideline.

GeneDx
Classification: Uncertain significance. Last evaluated: 2024-09-16. Review status: criteria provided, single submitter. Criteria: GeneDx Variant Classification Process June 2021. Collection method: clinical testing. Allele origin: germline. Affected: yes.
Comment: Not observed at significant frequency in large population cohorts (gnomAD); In silico analysis supports a deleterious effect on splicing; Has not been previously published as pathogenic or benign to our knowledge

Tuberous sclerosis database (TSC2)
No classification provided. Condition: TSC. Review status: no classification provided. Criteria: Tuberous Sclerosis Database Assertion Criteria 2015. Collection method: curation. Allele origin: germline. Affected: yes. Not counted in ClinVar's aggregate classification.

NM_000548.5(TSC2):c.4570-12T>A

Gene: TSC2 (TSC complex subunit 2; plus strand). Cytogenetic location: 16p13.3.
Variant type: single nucleotide variant.
Coding change: c.4570-12T>A on transcript NM_000548.5 (MANE Select); 12 bases into the intron before coding-DNA position 4570, T replaced by A.
Molecular consequence: intron variant.
Genome position (GRCh38, 1-based): chr16:2,085,218, T>A. VCF-style: chr16-2085218-T-A. GRCh37 (hg19) VCF-style: chr16-2135219-T-A.
Other names: c.4501-12T>A (NM_001114382.3); c.4441-12T>A (NM_021055.3, NM_001370405.1); c.4372-12T>A (NM_001363528.2); c.4438-12T>A (NM_001370404.1); c.4369-12T>A (NM_001077183.3); c.4261-12T>A (NM_001318827.2); c.3838-12T>A (NM_001318831.2); c.4225-12T>A (NM_001318829.2); and 1 more.
Identifiers: ClinVar variation 50008 (VCV000050008.4), dbSNP rs137854256, ClinGen allele CA020688.